The following is an entry in ClinVar:

NM_000370.3(TTPA):c.122C>G (p.Pro41Arg)

Gene: TTPA (alpha tocopherol transfer protein; minus strand). Cytogenetic location: 8q12.3.
Variant type: single nucleotide variant.
Coding change: c.122C>G on transcript NM_000370.3 (MANE Select); coding-DNA position 122, C replaced by G.
Protein change: p.Pro41Arg; replaces proline 41 with arginine.
Molecular consequence: missense variant.
Genome position (GRCh38, 1-based): chr8:63,085,900, G>C on the plus strand (C>G on the coding strand, the complement: TTPA is on the minus strand). VCF-style: chr8-63085900-G-C. GRCh37 (hg19) VCF-style: chr8-63998459-G-C.
Other names: short protein forms P41R.
Identifiers: ClinVar variation 1417960 (VCV001417960.4), dbSNP rs1436605803, ClinGen allele CA371403507.

ClinVar aggregate classification (germline): Uncertain significance. Review status: criteria provided, multiple submitters, no conflicts (2 of 4 stars). 2 submissions from 2 submitters: Uncertain significance (2). Last evaluated 2023-12-21.

Conditions:
Inborn genetic diseases. Identifiers: MedGen C0950123, MeSH D030342.

Allele frequency attached by ClinVar (database versions not stated): gnomAD 0.00003 and 0.00004; gnomAD exomes 0.00004; TOPMed 0.00008.

Submissions (2):

Ambry Genetics
Classification: Uncertain significance for Inborn genetic diseases. Last evaluated: 2023-12-21. Review status: criteria provided, single submitter. Criteria: Ambry Variant Classification Scheme 2023. Collection method: clinical testing. Allele origin: germline.

Labcorp Genetics (formerly Invitae), Labcorp
Classification: Uncertain significance. Last evaluated: 2022-10-25. Review status: criteria provided, single submitter. Criteria: Invitae Variant Classification Sherloc (09022015). Collection method: clinical testing. Allele origin: germline.
Comment: This sequence change replaces proline, which is neutral and non-polar, with arginine, which is basic and polar, at codon 41 of the TTPA protein (p.Pro41Arg). This variant is present in population databases (no rsID available, gnomAD 0.01%). This variant has not been reported in the literature in individuals affected with TTPA-related conditions. ClinVar contains an entry for this variant (Variation ID: 1417960). Advanced modeling of protein sequence and biophysical properties (such as structural, functional, and spatial information, amino acid conservation, physicochemical variation, residue mobility, and thermodynamic stability) performed at Invitae indicates that this missense variant is not expected to disrupt TTPA protein function. In summary, the available evidence is currently insufficient to determine the role of this variant in disease. Therefore, it has been classified as a Variant of Uncertain Significance.